The following is an entry in ClinVar:

ClinVar aggregate classification (germline): Pathogenic (1 of 4 stars; one submission).

Conditions:
Mucopolysaccharidosis, MPS-II (MPS2). Also called: Hunter Syndrome; IDURONATE 2-SULFATASE DEFICIENCY; Mucopolysaccharidosis Type II; Mucopolysaccharidosis type 2; Attenuated MPS (subtype; formerly known as mild MPS II); Severe MPS II. Identifiers: Orphanet 580, Orphanet 79388, MedGen C0026705, MONDO:0010674, OMIM 309900.

Submission:

Laboratory of Diagnosis and Therapy of Lysosomal Disorders, University of Padova
Classification: Pathogenic for Mucopolysaccharidosis, MPS-II. Last evaluated: 2024-06-07. Review status: criteria provided, single submitter. Criteria: ACMG Guidelines, 2015. Collection method: literature only. Allele origin: germline. Affected: yes. Observed: 3 variant alleles.
Comment: Null variant (PVS1_VeryStrong), Absent from controls (or at low frequency) in gnomAD database (PM2_Moderate), Cosegregation with disease in multiple affected family members (PP1_Moderate), Patient’s phenotype or family history highly specific for the disease (PP4_Moderate)

Classification method: ACMG Guidelines [PMID:25741868] with modifications

Literature cited by the submitters: PubMed 8664909; PubMed 7887413.

NM_000202.8(IDS):c.182_189del (p.Ser61fs)

Gene: IDS (iduronate 2-sulfatase; minus strand). Cytogenetic location: Xq28.
Variant type: Deletion.
Coding change: c.182_189del on transcript NM_000202.8 (MANE Select); coding-DNA positions 182 to 189, 8 bases deleted (CCCCAAAT; older notation c.182_189delCCCCAAAT).
Protein change: p.Ser61fs; shifts the reading frame from serine 61.
Molecular consequence: frameshift variant. On other transcripts: 5 prime UTR variant (1), non-coding transcript variant (1).
Genome position (GRCh38, 1-based): chrX:149,504,208-149,504,215, ATTTGGGG deleted on the plus strand (CCCCAAAT on the coding strand, the reverse complement: IDS is on the minus strand); deleting any 8 consecutive bases within chrX:149,504,208-149,504,216 gives the same sequence; the c. name uses the placement nearest the transcript's 3' end. VCF-style (leftmost placement, unchanged base first): chrX-149504207-TATTTGGGG-T. GRCh37 (hg19) VCF-style: chrX-148585737-TATTTGGGG-T.
Other names: c.-45_-38del (NM_001166550.4); c.182_189del, p.Ser61fs (NM_006123.5); short protein forms S61fs.
Identifiers: ClinVar variation 3256011 (VCV003256011.2).
Genomic context (GRCh38, chrX:149,504,207, plus strand): 5'-CCAGACATACCTGCGCAAAGGCATTCTGGAAGAGGAGGCTGTGGGATGCCAGTTGGTCAA[TATTTGGGG>T]ACCTCACCAGCTTATCCCCATAACAGCCCAGGGAGGGGCGCAGGTCATCCACGATGATGA-3'